The following is an entry in ClinVar:

ClinVar aggregate classification (germline): Likely pathogenic (1 of 4 stars; one submission).

Conditions:
Charcot-Marie-Tooth disease type 4. Also called: Charcot-Marie-Tooth disease, type IV; Charcot-Marie-Tooth, Type 4. Identifiers: Orphanet 64749, MedGen C4082197, MONDO:0018995.

Submission:

Labcorp Genetics (formerly Invitae), Labcorp
Classification: Likely pathogenic for Charcot-Marie-Tooth disease type 4. Last evaluated: 2019-03-26. Review status: criteria provided, single submitter. Criteria: Invitae Variant Classification Sherloc (09022015). Collection method: clinical testing. Allele origin: germline.
Comment: Donor and acceptor splice site variants typically lead to a loss of protein function (PMID: 16199547), and loss-of-function variants in SBF2 are known to be pathogenic (PMID: 12687498, 25873783). In summary, the currently available evidence indicates that the variant is pathogenic, but additional data are needed to prove that conclusively. Therefore, this variant has been classified as Likely Pathogenic. Algorithms developed to predict the effect of sequence changes on RNA splicing suggest that this variant may disrupt the consensus splice site, but this prediction has not been confirmed by published transcriptional studies. This sequence change affects a donor splice site in intron 24 of the SBF2 gene. It is expected to disrupt RNA splicing and likely results in an absent or disrupted protein product. This variant is not present in population databases (ExAC no frequency). This variant has not been reported in the literature in individuals with SBF2-related conditions.

Literature cited by the submitters: PubMed 16199547; PubMed 12687498; PubMed 25873783.

NM_030962.4(SBF2):c.3110+2_3110+4delinsGAG

Genes: SBF2 (SET binding factor 2; minus strand), LOC101928008 (uncharacterized LOC101928008; plus strand). Cytogenetic location: 11p15.4.
Variant type: Indel.
Coding change: c.3110+2_3110+4delinsGAG on transcript NM_030962.4 (MANE Select); the canonical splice donor site of the intron after coding-DNA position 3110 through 4 bases into the intron after coding-DNA position 3110, TAA replaced by GAG.
Molecular consequence: splice donor variant.
Genome position (GRCh38, 1-based): chr11:9,845,561-9,845,563, TTA replaced by CTC on the plus strand (TAA replaced by GAG on the coding strand, the reverse complement: SBF2 is on the minus strand). VCF-style: chr11-9845561-TTA-CTC. GRCh37 (hg19) VCF-style: chr11-9867108-TTA-CTC.
Other names: c.2981+2_2981+4delinsGAG (NM_001386342.1); c.3110+2_3110+4delinsGAG (NM_001386339.1).
Identifiers: ClinVar variation 965087 (VCV000965087.6), dbSNP rs1856483925, ClinGen allele CA1139661828.
Genomic context (GRCh38, chr11:9,845,561, plus strand): 5'-AGGTTACTCCTTTTGCAATCAATTACGGGAGGGCTGAAATTAACAGACTTGTCTTTCTTC[TTA>CTC]CCGAAAAGAAGTGTTCTTTTCCTTCTGTTTTGGTAAAATTATTTGTGGGGTAGTTTGTCC-3'